The following is an entry in ClinVar:

ClinVar aggregate classification (germline): Likely pathogenic (1 of 4 stars; one submission).

Conditions:
Alstrom syndrome (ALMS). Identifiers: Orphanet 64, MedGen C0268425, MONDO:0008763, OMIM 203800.

gnomAD v4.1: 1 of 1,607,788 alleles (0.000062%); highest among the groups gnomAD compares: Non-Finnish European, 0.000085%; no homozygotes.

Submission:

Myriad Genetics, Inc.
Classification: Likely pathogenic for Alstrom syndrome. Last evaluated: 2022-02-17. Review status: criteria provided, single submitter. Criteria: Myriad Women's Health Autosomal Recessive and X-Linked Classification Criteria (2021). Collection method: clinical testing. Allele origin: unknown.
Comment: NM_015120.4(ALMS1):c.10405G>T(E3469*) is expected to be pathogenic in the context of Alstrom syndrome. This variant is predicted to lead to an abnormal or absent protein product due to the creation of a premature termination codon in ALMS1, a gene where loss-of-function variants are known to be pathogenic. Please note: this variant was assessed in the context of healthy population screening.

NM_001378454.1(ALMS1):c.10402G>T (p.Glu3468Ter)

Gene: ALMS1 (ALMS1 centrosome and basal body associated protein; plus strand). Cytogenetic location: 2p13.1.
Variant type: single nucleotide variant.
Coding change: c.10402G>T on transcript NM_001378454.1 (MANE Select); coding-DNA position 10402, G replaced by T.
Protein change: p.Glu3468Ter; replaces glutamic acid 3468 with a stop codon.
Molecular consequence: nonsense.
Genome position (GRCh38, 1-based): chr2:73,572,279, G>T. VCF-style: chr2-73572279-G-T. GRCh37 (hg19) VCF-style: chr2-73799406-G-T.
Other names: c.10405G>T, p.Glu3469Ter (NM_015120.4); short protein forms E3468*, E3469*.
Identifiers: ClinVar variation 1724467 (VCV001724467.2), dbSNP rs1390696376, ClinGen allele CA347282629.